The following is an entry in ClinVar:

NM_003235.5(TG):c.2150G>A (p.Arg717Gln)

Gene: TG (thyroglobulin; plus strand). Cytogenetic location: 8q24.22.
Variant type: single nucleotide variant.
Coding change: c.2150G>A on transcript NM_003235.5 (MANE Select); coding-DNA position 2150, G replaced by A.
Protein change: p.Arg717Gln; replaces arginine 717 with glutamine.
Molecular consequence: missense variant.
Genome position (GRCh38, 1-based): chr8:132,887,522, G>A. VCF-style: chr8-132887522-G-A. GRCh37 (hg19) VCF-style: chr8-133899767-G-A.
Other names: short protein forms R717Q.
Identifiers: ClinVar variation 361921 (VCV000361921.6), dbSNP rs200611812, ClinGen allele CA4883316.

ClinVar aggregate classification (germline): Uncertain significance. Review status: criteria provided, multiple submitters, no conflicts (2 of 4 stars). 2 submissions from 2 submitters: Uncertain significance (2). Last evaluated 2025-05-27.

Conditions:
Iodotyrosyl coupling defect (TDH3). Also called: HYPOTHYROIDISM, CONGENITAL, DUE TO DYSHORMONOGENESIS, 3; THYROID HORMONOGENESIS, GENETIC DEFECT IN, 3. Identifiers: Orphanet 95716, MedGen C0342194, MONDO:0010135, OMIM 274700.

Allele frequency attached by ClinVar (database versions not stated): ESP Exome Variant Server 0.00015; TOPMed 0.00028; 1000 Genomes Project 30x 0.00031; 1000 Genomes Project 0.00040; gnomAD 0.00045 and 0.00046.
gnomAD v4.1: 1,000 of 1,614,148 alleles (0.062%); highest among the groups gnomAD compares: Non-Finnish European, 0.067%; 1 homozygote.

Submissions (2):

Women's Health and Genetics/Laboratory Corporation of America, LabCorp
Classification: Uncertain significance. Last evaluated: 2025-05-27. Review status: criteria provided, single submitter. Criteria: LabCorp Variant Classification Summary - May 2015. Collection method: clinical testing. Allele origin: germline.
Comment: Variant summary: TG c.2150G>A (p.Arg717Gln) results in a conservative amino acid change in the encoded protein sequence. Algorithms developed to predict the effect of missense changes on protein structure and function all suggest that this variant is likely to be tolerated. The variant allele was found at a frequency of 0.0006 in 249076 control chromosomes. This frequency is not significantly higher than estimated for a pathogenic variant in TG causing TG-Related Disorders, allowing no conclusion about variant significance. To our knowledge, no occurrence of c.2150G>A in individuals affected with TG-Related Disorders and no experimental evidence demonstrating its impact on protein function have been reported. ClinVar contains an entry for this variant (Variation ID: 361921). Based on the evidence outlined above, the variant was classified as uncertain significance.

Illumina Laboratory Services, Illumina
Classification: Uncertain significance for Iodotyrosyl coupling defect. Last evaluated: 2018-01-12. Review status: criteria provided, single submitter. Criteria: ICSL Variant Classification Criteria 13 December 2019. Collection method: clinical testing. Allele origin: germline.